The following is an entry in ClinVar:

ClinVar aggregate classification (germline): Uncertain significance (1 of 4 stars; one submission).

Conditions:
Familial hypobetalipoproteinemia 1. Also called: Hypobetalipoproteinemia, normotriglyceridemic; Acanthocytosis with hypobetalipoproteinemia; APOB-Related Familial Hypobetalipoproteinemia. Identifiers: MedGen C4551990, MONDO:0014252, OMIM 615558.
Hypercholesterolemia, autosomal dominant, type B (FHCL2). Also called: Familial Hypercholesterolemia Type B; APOLIPOPROTEIN B-100, FAMILIAL DEFECTIVE; APOLIPOPROTEIN B-100, FAMILIAL LIGAND-DEFECTIVE; HYPERCHOLESTEROLEMIA, FAMILIAL, DUE TO LIGAND-DEFECTIVE APOLIPOPROTEIN B; APOB-Related Familial Hypercholesterolemia, Autosomal Dominant; Hyperlipoproteinemia Type IIb. Identifiers: MedGen C1704417, MONDO:0007751, OMIM 144010.

gnomAD v4.1: 5 of 1,614,002 alleles (0.00031%); highest among the groups gnomAD compares: Non-Finnish European, 0.00042%; no homozygotes.

Submission:

Labcorp Genetics (formerly Invitae), Labcorp
Classification: Uncertain significance for Familial hypobetalipoproteinemia 1; Hypercholesterolemia, autosomal dominant, type B. Last evaluated: 2025-12-09. Review status: criteria provided, single submitter. Criteria: Invitae Variant Classification Sherloc (09022015). Collection method: clinical testing. Allele origin: germline.
Comment: This sequence change replaces asparagine, which is neutral and polar, with serine, which is neutral and polar, at codon 2894 of the APOB protein (p.Asn2894Ser). This variant is not present in population databases (gnomAD no frequency). This missense change has been observed in individual(s) with clinical features of APOB-related conditions (internal data). Invitae Evidence Modeling of protein sequence and biophysical properties (such as structural, functional, and spatial information, amino acid conservation, physicochemical variation, residue mobility, and thermodynamic stability) indicates that this missense variant is not expected to disrupt APOB protein function with a negative predictive value of 95%. In summary, the available evidence is currently insufficient to determine the role of this variant in disease. Therefore, it has been classified as a Variant of Uncertain Significance.

NM_000384.3(APOB):c.8681A>G (p.Asn2894Ser)

Gene: APOB (apolipoprotein B; minus strand). Cytogenetic location: 2p24.1.
Variant type: single nucleotide variant.
Coding change: c.8681A>G on transcript NM_000384.3 (MANE Select); coding-DNA position 8681, A replaced by G.
Protein change: p.Asn2894Ser; replaces asparagine 2894 with serine.
Molecular consequence: missense variant.
Genome position (GRCh38, 1-based): chr2:21,008,187, T>C on the plus strand (A>G on the coding strand, the complement: APOB is on the minus strand). VCF-style: chr2-21008187-T-C. GRCh37 (hg19) VCF-style: chr2-21231059-T-C.
Other names: short protein forms N2894S.
Identifiers: ClinVar variation 4794207 (VCV004794207.1).